The following is an entry in ClinVar:

ClinVar aggregate classification (germline): Uncertain significance (1 of 4 stars; one submission).

gnomAD v4.1: 1 of 1,614,128 alleles (0.000062%); highest among the groups gnomAD compares: Non-Finnish European, 0.000085%; no homozygotes.

Submission:

GeneDx
Classification: Uncertain significance. Last evaluated: 2024-06-20. Review status: criteria provided, single submitter. Criteria: GeneDx Variant Classification Process June 2021. Collection method: clinical testing. Allele origin: germline. Affected: yes.
Comment: Not observed at significant frequency in large population cohorts (gnomAD); In silico analysis supports that this missense variant has a deleterious effect on protein structure/function; Has not been previously published as pathogenic or benign to our knowledge

NM_001851.6(COL9A1):c.382T>G (p.Trp128Gly)

Gene: COL9A1 (collagen type IX alpha 1 chain; minus strand). Cytogenetic location: 6q13.
Variant type: single nucleotide variant.
Coding change: c.382T>G on transcript NM_001851.6 (MANE Select); coding-DNA position 382, T replaced by G.
Protein change: p.Trp128Gly; replaces tryptophan 128 with glycine.
Molecular consequence: missense variant.
Genome position (GRCh38, 1-based): chr6:70,294,481, A>C on the plus strand (T>G on the coding strand, the complement: COL9A1 is on the minus strand). VCF-style: chr6-70294481-A-C. GRCh37 (hg19) VCF-style: chr6-71004184-A-C.
Other names: c.382T>G, p.Trp128Gly (NM_001377291.1); short protein forms W128G.
Identifiers: ClinVar variation 3391598 (VCV003391598.1).
Genomic context (GRCh38, chr6:70,294,481, plus strand): 5'-CATTAATCTTTATGCCAACTTGCTCCTTCCCAGAGGAATCCTGAATCTGCCAAATGTTCC[A>C]GTTCTTTTTGAGAGTGCTTCCAGTCATTCGAAACGTCGTCAAGAAGGAGTATTCTTCAGG-3'
Protein context (NP_001842.3, residues 118-138): RMTGSTLKKN[Trp128Gly]NIWQIQDSSG